The following is an entry in ClinVar:

ClinVar aggregate classification (germline): Uncertain significance (1 of 4 stars; one submission).

Conditions:
Primary ciliary dyskinesia. Also called: Ciliary dyskinesia. Identifiers: Orphanet 244, MedGen C0008780, MONDO:0016575, HP:0012265.

Allele frequency attached by ClinVar (database versions not stated): gnomAD exomes below 0.00001; TOPMed below 0.00001; gnomAD 0.00002.
gnomAD v4.1: 5 of 1,613,888 alleles (0.00031%); highest among the groups gnomAD compares: Non-Finnish European, 0.00025%; no homozygotes.

Submission:

Labcorp Genetics (formerly Invitae), Labcorp
Classification: Uncertain significance for Primary ciliary dyskinesia. Last evaluated: 2021-09-02. Review status: criteria provided, single submitter. Criteria: Invitae Variant Classification Sherloc (09022015). Collection method: clinical testing. Allele origin: germline.
Comment: This sequence change replaces aspartic acid with glycine at codon 3661 of the DNAH5 protein (p.Asp3661Gly). The aspartic acid residue is highly conserved and there is a moderate physicochemical difference between aspartic acid and glycine. This variant is not present in population databases (ExAC no frequency). This missense change has been observed in individual(s) with clinical features of primary ciliary dyskinesia (Invitae). In at least one individual the data is consistent with the variant being in trans (on the opposite chromosome) from a pathogenic variant. Advanced modeling of protein sequence and biophysical properties (such as structural, functional, and spatial information, amino acid conservation, physicochemical variation, residue mobility, and thermodynamic stability) performed at Invitae indicates that this missense variant is not expected to disrupt DNAH5 protein function. Algorithms developed to predict the effect of sequence changes on RNA splicing suggest that this variant may create or strengthen a splice site. In summary, the available evidence is currently insufficient to determine the role of this variant in disease. Therefore, it has been classified as a Variant of Uncertain Significance.

NM_001369.3(DNAH5):c.10982A>G (p.Asp3661Gly)

Gene: DNAH5 (dynein axonemal heavy chain 5; minus strand). Cytogenetic location: 5p15.2.
Variant type: single nucleotide variant.
Coding change: c.10982A>G on transcript NM_001369.3 (MANE Select); coding-DNA position 10982, A replaced by G.
Protein change: p.Asp3661Gly; replaces aspartic acid 3661 with glycine.
Molecular consequence: missense variant.
Genome position (GRCh38, 1-based): chr5:13,752,180, T>C on the plus strand (A>G on the coding strand, the complement: DNAH5 is on the minus strand). VCF-style: chr5-13752180-T-C. GRCh37 (hg19) VCF-style: chr5-13752289-T-C.
Other names: short protein forms D3661G.
Identifiers: ClinVar variation 1401420 (VCV001401420.5), dbSNP rs1420575942, ClinGen allele CA359189890.